The following is an entry in ClinVar:

ClinVar aggregate classification (germline): Likely benign (0 of 4 stars; one submission).

Conditions:
CCAR2-related disorder. Also called: CCAR2-related condition.

Allele frequency attached by ClinVar (database versions not stated): gnomAD exomes 0.00012; ExAC 0.00049; TOPMed 0.00116; gnomAD 0.00120; ESP Exome Variant Server 0.00169; 1000 Genomes Project 30x 0.00265; 1000 Genomes Project 0.00280.
gnomAD v4.1: 368 of 1,614,082 alleles (0.023%); highest among the groups gnomAD compares: African/African-American, 0.39%; no homozygotes.

Submission:

PreventionGenetics, part of Exact Sciences
Classification: Likely benign for CCAR2-related condition. Last evaluated: 2019-11-26. Review status: no assertion criteria provided. Collection method: clinical testing. Allele origin: germline.
Comment: This variant is classified as likely benign based on ACMG/AMP sequence variant interpretation guidelines (Richards et al. 2015 PMID: 25741868, with internal and published modifications).

NM_001393997.1(CCAR2):c.876C>T (p.Asp292=)

Gene: CCAR2 (cell cycle and apoptosis regulator 2; plus strand). Cytogenetic location: 8p21.3.
Variant type: single nucleotide variant.
Coding change: c.876C>T on transcript NM_001393997.1 (MANE Select); coding-DNA position 876, C replaced by T.
Protein change: p.Asp292=; no amino-acid change (aspartic acid 292 retained).
Molecular consequence: synonymous variant.
Genome position (GRCh38, 1-based): chr8:22,614,263, C>T. VCF-style: chr8-22614263-C-T. GRCh37 (hg19) VCF-style: chr8-22471776-C-T.
Other names: c.876C>T, p.Asp292= (NM_001363068.2, NM_001363069.2, NM_021174.6).
Identifiers: ClinVar variation 3048593 (VCV003048593.2), dbSNP rs78169940, ClinGen allele CA4670463.
Genomic context (GRCh38, chr8:22,614,263, plus strand): 5'-CTTTTCCCTCCATCATCCAAGCCGGATCCAGGTCTCTTCTGAAAAGGAGGCAGCTCCAGA[C>T]GCTGGTGCTGAGCCCATCACTGCAGACAGTGACCCCGCTTATAGTTCGAAGGTAAGCTGA-3'
Protein context (NP_001380926.1, residues 282-302): QVSSEKEAAP[Asp292=]AGAEPITADS